The following is an entry in ClinVar:

ClinVar aggregate classification (germline): Likely benign (0 of 4 stars; one submission).

Conditions:
ZNF407-related disorder. Also called: ZNF407-related condition.

Allele frequency attached by ClinVar (database versions not stated): TOPMed below 0.00001; ExAC 0.00001; gnomAD exomes 0.00002; gnomAD 0.00003.
gnomAD v4.1: 34 of 1,613,848 alleles (0.0021%); highest among the groups gnomAD compares: East Asian, 0.0067%; no homozygotes.

Submission:

PreventionGenetics, part of Exact Sciences
Classification: Likely benign for ZNF407-related condition. Last evaluated: 2019-02-21. Review status: no assertion criteria provided. Collection method: clinical testing. Allele origin: germline.
Comment: This variant is classified as likely benign based on ACMG/AMP sequence variant interpretation guidelines (Richards et al. 2015 PMID: 25741868, with internal and published modifications).

NM_017757.3(ZNF407):c.3762C>T (p.Leu1254=)

Gene: ZNF407 (zinc finger protein 407; plus strand). Cytogenetic location: 18q22.3.
Variant type: single nucleotide variant.
Coding change: c.3762C>T on transcript NM_017757.3 (MANE Select); coding-DNA position 3762, C replaced by T.
Protein change: p.Leu1254=; no amino-acid change (leucine 1254 retained).
Molecular consequence: synonymous variant.
Genome position (GRCh38, 1-based): chr18:74,634,781, C>T. VCF-style: chr18-74634781-C-T. GRCh37 (hg19) VCF-style: chr18-72346737-C-T.
Other names: c.3762C>T, p.Leu1254= (NM_001146189.1, NM_001146190.1, NM_001384475.1).
Identifiers: ClinVar variation 3047634 (VCV003047634.2), dbSNP rs745406823, ClinGen allele CA9000746.